The following is an entry in ClinVar:

NM_005257.6(GATA6):c.1774C>G (p.Leu592Val)

Gene: GATA6 (GATA binding protein 6; plus strand). Cytogenetic location: 18q11.2.
Variant type: single nucleotide variant.
Coding change: c.1774C>G on transcript NM_005257.6 (MANE Select); coding-DNA position 1774, C replaced by G.
Protein change: p.Leu592Val; replaces leucine 592 with valine.
Molecular consequence: missense variant.
Genome position (GRCh38, 1-based): chr18:22,200,809, C>G. VCF-style: chr18-22200809-C-G. GRCh37 (hg19) VCF-style: chr18-19780772-C-G.
Other names: short protein forms L592V.
Identifiers: ClinVar variation 1353328 (VCV001353328.9), dbSNP rs774669486, ClinGen allele CA8909091.

ClinVar aggregate classification (germline): Uncertain significance. Review status: criteria provided, multiple submitters, no conflicts (2 of 4 stars). 2 submissions from 2 submitters: Uncertain significance (2). Last evaluated 2025-07-01.

Conditions:
Atrioventricular septal defect 5 (AVSD5). Identifiers: MedGen C3280939, MONDO:0013769, OMIM 614474.

Allele frequency attached by ClinVar (database versions not stated): gnomAD exomes below 0.00001; ExAC 0.00001.
gnomAD v4.1: 2 of 1,611,230 alleles (0.00012%); highest among the groups gnomAD compares: Non-Finnish European, 0.00017%; no homozygotes.

Submissions (2):

Labcorp Genetics (formerly Invitae), Labcorp
Classification: Uncertain significance for Atrioventricular septal defect 5. Last evaluated: 2025-07-01. Review status: criteria provided, single submitter. Criteria: Invitae Variant Classification Sherloc (09022015). Collection method: clinical testing. Allele origin: germline.
Comment: This sequence change replaces leucine, which is neutral and non-polar, with valine, which is neutral and non-polar, at codon 592 of the GATA6 protein (p.Leu592Val). This variant is present in population databases (rs774669486, gnomAD 0.0009%). This variant has not been reported in the literature in individuals affected with GATA6-related conditions. ClinVar contains an entry for this variant (Variation ID: 1353328). An algorithm developed to predict the effect of missense changes on protein structure and function (PolyPhen-2) suggests that this variant is likely to be disruptive. In summary, the available evidence is currently insufficient to determine the role of this variant in disease. Therefore, it has been classified as a Variant of Uncertain Significance.

Blueprint Genetics
Classification: Uncertain significance. Last evaluated: 2024-01-17. Review status: criteria provided, single submitter. Criteria: ACMG Guidelines, 2015. Collection method: clinical testing. Allele origin: germline.